The following is an entry in ClinVar:

ClinVar aggregate classification (germline): Uncertain significance. Review status: criteria provided, multiple submitters, no conflicts (2 of 4 stars). 5 submissions from 5 submitters: Uncertain significance (5). Last evaluated 2026-06-10.

Conditions:
PLEC-related disorder. Also called: PLEC-related disorders; PLEC-related condition.
Autosomal recessive limb-girdle muscular dystrophy type 2Q (LGMDR17). Also called: MUSCULAR DYSTROPHY, LIMB-GIRDLE, AUTOSOMAL RECESSIVE 17. Identifiers: Orphanet 254361, MedGen C3150989, MONDO:0013390, OMIM 613723.
Epidermolysis bullosa simplex with nail dystrophy (EBS5D). Identifiers: MedGen C4225309, MONDO:0014661, OMIM 616487.
Epidermolysis bullosa simplex 5C, with pyloric atresia (EBS5C). Also called: PLEC-Related Epidermolysis Bullosa with Pyloric Atresia; Epidermolysis bullosa simplex with pyloric atresia; PLEC1-Related Epidermolysis Bullosa with Pyloric Atresia. Identifiers: Orphanet 158684, MedGen C2677349, MONDO:0012807, OMIM 612138.
Epidermolysis bullosa simplex, Ogna type (EBS5A). Also called: Pidermolysis bullosa simplex 5A, Ogna type; EPIDERMOLYSIS BULLOSA SIMPLEX 5A, OGNA TYPE. Identifiers: Orphanet 79401, MedGen C0432317, MONDO:0007555, OMIM 131950.
Epidermolysis bullosa simplex 5B, with muscular dystrophy (EBS5B). Also called: EPIDERMOLYSIS BULLOSA SIMPLEX AND LIMB-GIRDLE MUSCULAR DYSTROPHY; Epidermolysis bullosa simplex with muscular dystrophy. Identifiers: Orphanet 257, MedGen C2931072, MONDO:0009181, OMIM 226670.
Inborn genetic diseases. Identifiers: MedGen C0950123, MeSH D030342.

Allele frequency attached by ClinVar (database versions not stated): ExAC 0.00006; gnomAD exomes 0.00006; TOPMed 0.00006; ESP Exome Variant Server 0.00008; gnomAD 0.00013; 1000 Genomes Project 30x 0.00031; 1000 Genomes Project 0.00040.
gnomAD v4.1: 119 of 1,611,618 alleles (0.0074%); highest among the groups gnomAD compares: Admixed American, 0.012%; no homozygotes.

Submissions (5):

PreventionGenetics, part of Exact Sciences
Classification: Uncertain significance for PLEC-related condition. Last evaluated: 2026-06-10. Review status: criteria provided, single submitter. Criteria: ACMG Guidelines, 2015. Collection method: clinical testing. Allele origin: germline.
Comment: The PLEC c.2780G>A variant is predicted to result in the amino acid substitution p.Arg927His. To our knowledge, this variant has not been reported in the literature. This variant is reported in 0.014% of alleles in individuals of Latino descent in gnomAD. At this time, the clinical significance of this variant is uncertain due to the absence of conclusive functional and genetic evidence.

GeneDx
Classification: Uncertain significance. Last evaluated: 2026-01-27. Review status: criteria provided, single submitter. Criteria: GeneDx Variant Classification Process June 2021. Collection method: clinical testing. Allele origin: germline.
Comment: Not observed at significant frequency in large population cohorts (gnomAD); In silico analysis supports that this missense variant does not alter protein structure/function; Has not been previously published as pathogenic or benign to our knowledge

Labcorp Genetics (formerly Invitae), Labcorp
Classification: Uncertain significance for Autosomal recessive limb-girdle muscular dystrophy type 2Q; Epidermolysis bullosa simplex, Ogna type; Epidermolysis bullosa simplex with nail dystrophy; Epidermolysis bullosa simplex 5C, with pyloric atresia; Epidermolysis bullosa simplex 5B, with muscular dystrophy. Last evaluated: 2025-10-18. Review status: criteria provided, single submitter. Criteria: Invitae Variant Classification Sherloc (09022015). Collection method: clinical testing. Allele origin: germline.
Comment: This sequence change replaces arginine, which is basic and polar, with histidine, which is basic and polar, at codon 927 of the PLEC protein (p.Arg927His). This variant is present in population databases (rs376953993, gnomAD 0.01%). This variant has not been reported in the literature in individuals affected with PLEC-related conditions. ClinVar contains an entry for this variant (Variation ID: 471558). Invitae Evidence Modeling of protein sequence and biophysical properties (such as structural, functional, and spatial information, amino acid conservation, physicochemical variation, residue mobility, and thermodynamic stability) indicates that this missense variant is not expected to disrupt PLEC protein function with a negative predictive value of 80%. In summary, the available evidence is currently insufficient to determine the role of this variant in disease. Therefore, it has been classified as a Variant of Uncertain Significance.

Ambry Genetics
Classification: Uncertain significance for Inborn genetic diseases. Last evaluated: 2024-12-04. Review status: criteria provided, single submitter. Criteria: Ambry Variant Classification Scheme 2023. Collection method: clinical testing. Allele origin: germline.

Revvity Omics, Revvity
Classification: Uncertain significance. Last evaluated: 2023-12-01. Review status: criteria provided, single submitter. Criteria: ACMG Guidelines, 2015. Collection method: clinical testing. Allele origin: germline.

NM_201384.3(PLEC):c.2699G>A (p.Arg900His)

Gene: PLEC (plectin; minus strand). Cytogenetic location: 8q24.3.
Variant type: single nucleotide variant.
Coding change: c.2699G>A on transcript NM_201384.3 (MANE Select); coding-DNA position 2699, G replaced by A.
Protein change: p.Arg900His; replaces arginine 900 with histidine.
Molecular consequence: missense variant.
Genome position (GRCh38, 1-based): chr8:143,929,976, C>T on the plus strand (G>A on the coding strand, the complement: PLEC is on the minus strand). VCF-style: chr8-143929976-C-T. GRCh37 (hg19) VCF-style: chr8-145004144-C-T.
Other names: c.2780G>A, p.Arg927His (NM_000445.5); c.2657G>A, p.Arg886His (NM_201378.4); c.2633G>A, p.Arg878His (NM_201379.3); c.3110G>A, p.Arg1037His (NM_201380.4); c.2603G>A, p.Arg868His (NM_201381.3); c.2699G>A, p.Arg900His (NM_201382.4); c.2711G>A, p.Arg904His (NM_201383.3); c.2780G>A (NM_000445.3); short protein forms R886H, R904H, R878H, R900H, R1037H, R868H, R927H.
Identifiers: ClinVar variation 471558 (VCV000471558.12), dbSNP rs376953993, ClinGen allele CA4927413.